The following is an entry in ClinVar:

NM_000465.4(BARD1):c.700G>T (p.Glu234Ter)

Gene: BARD1 (BRCA1 associated RING domain 1; minus strand). Cytogenetic location: 2q35.
Variant type: single nucleotide variant.
Coding change: c.700G>T on transcript NM_000465.4 (MANE Select); coding-DNA position 700, G replaced by T.
Protein change: p.Glu234Ter; replaces glutamic acid 234 with a stop codon.
Molecular consequence: nonsense. On other transcripts: non-coding transcript variant (2), intron variant (3).
Genome position (GRCh38, 1-based): chr2:214,781,174, C>A on the plus strand (G>T on the coding strand, the complement: BARD1 is on the minus strand). VCF-style: chr2-214781174-C-A. GRCh37 (hg19) VCF-style: chr2-215645898-C-A.
Other names: c.643G>T, p.Glu215Ter (NM_001282543.2); c.158+28238G>T (NM_001282548.2); c.215+15887G>T (NM_001282545.2); c.364+11123G>T (NM_001282549.2); short protein forms E215*, E234*.
Identifiers: ClinVar variation 826774 (VCV000826774.10), dbSNP rs905491643, ClinGen allele CA350456348.

ClinVar aggregate classification (germline): Pathogenic. Review status: criteria provided, multiple submitters, no conflicts (2 of 4 stars). 3 submissions from 3 submitters: Pathogenic (3). Last evaluated 2025-11-18.

Conditions:
Hereditary cancer-predisposing syndrome. Also called: Neoplastic Syndromes, Hereditary; Tumor predisposition; Hereditary neoplastic syndrome; Hereditary Cancer Syndrome. Identifiers: Orphanet 140162, MedGen C0027672, MeSH D009386, MONDO:0015356.
Familial cancer of breast. Also called: BREAST CANCER, FAMILIAL; Hereditary breast cancer; hereditary breast carcinoma. Identifiers: Orphanet 227535, MedGen C0346153, MONDO:0016419, OMIM 114480. Disease mechanism: loss of function.

Allele frequency attached by ClinVar (database versions not stated): gnomAD exomes below 0.00001.
gnomAD v4.1: 1 of 1,584,032 alleles (0.000063%); highest among the groups gnomAD compares: Middle Eastern, 0.017%; no homozygotes.

Submissions (3):

Labcorp Genetics (formerly Invitae), Labcorp
Classification: Pathogenic for Familial cancer of breast. Last evaluated: 2025-11-18. Review status: criteria provided, single submitter. Criteria: Invitae Variant Classification Sherloc (09022015). Collection method: clinical testing. Allele origin: germline.
Comment: This sequence change creates a premature translational stop signal (p.Glu234*) in the BARD1 gene. It is expected to result in an absent or disrupted protein product. Loss-of-function variants in BARD1 are known to be pathogenic (PMID: 20077502, 21344236). This variant is not present in population databases (gnomAD no frequency). This variant has not been reported in the literature in individuals affected with BARD1-related conditions. ClinVar contains an entry for this variant (Variation ID: 826774). For these reasons, this variant has been classified as Pathogenic.

Ambry Genetics
Classification: Pathogenic for Hereditary cancer-predisposing syndrome. Last evaluated: 2025-05-28. Review status: criteria provided, single submitter. Criteria: Ambry Variant Classification Scheme 2023. Collection method: clinical testing. Allele origin: germline.
Comment: The p.E234* pathogenic mutation (also known as c.700G>T), located in coding exon 4 of the BARD1 gene, results from a G to T substitution at nucleotide position 700. This changes the amino acid from a glutamic acid to a stop codon within coding exon 4. This alteration is expected to result in loss of function by premature protein truncation or nonsense-mediated mRNA decay. As such, this alteration is interpreted as a disease-causing mutation.

Myriad Genetics, Inc.
Classification: Pathogenic for Familial cancer of breast. Last evaluated: 2023-05-19. Review status: criteria provided, single submitter. Criteria: Myriad Autosomal Dominant, Autosomal Recessive and X-Linked Classification Criteria (2023). Collection method: clinical testing. Allele origin: unknown.
Comment: This variant is considered pathogenic. This variant creates a termination codon and is predicted to result in premature protein truncation.

Literature cited by the submitters: PubMed 20077502 (cited by Labcorp Genetics (formerly Invitae), Labcorp); PubMed 21344236 (cited by Labcorp Genetics (formerly Invitae), Labcorp).